The following is an entry in ClinVar:

ClinVar aggregate classification (germline): Uncertain significance (1 of 4 stars; one submission).

Submission:

Labcorp Genetics (formerly Invitae), Labcorp
Classification: Uncertain significance. Last evaluated: 2024-03-29. Review status: criteria provided, single submitter. Criteria: Invitae Variant Classification Sherloc (09022015). Collection method: clinical testing. Allele origin: germline.
Comment: This sequence change replaces cysteine, which is neutral and slightly polar, with phenylalanine, which is neutral and non-polar, at codon 1588 of the ROBO1 protein (p.Cys1588Phe). This variant is not present in population databases (gnomAD no frequency). This variant has not been reported in the literature in individuals affected with ROBO1-related conditions. Advanced modeling of protein sequence and biophysical properties (such as structural, functional, and spatial information, amino acid conservation, physicochemical variation, residue mobility, and thermodynamic stability) performed at Invitae indicates that this missense variant is not expected to disrupt ROBO1 protein function with a negative predictive value of 95%. Algorithms developed to predict the effect of sequence changes on RNA splicing suggest that this variant may create or strengthen a splice site. In summary, the available evidence is currently insufficient to determine the role of this variant in disease. Therefore, it has been classified as a Variant of Uncertain Significance.

NM_002941.4(ROBO1):c.4763G>T (p.Cys1588Phe)

Gene: ROBO1 (roundabout guidance receptor 1; minus strand). Cytogenetic location: 3p12.3.
Variant type: single nucleotide variant.
Coding change: c.4763G>T on transcript NM_002941.4 (MANE Select); coding-DNA position 4763, G replaced by T.
Protein change: p.Cys1588Phe; replaces cysteine 1588 with phenylalanine.
Molecular consequence: missense variant.
Genome position (GRCh38, 1-based): chr3:78,600,291, C>A on the plus strand (G>T on the coding strand, the complement: ROBO1 is on the minus strand). VCF-style: chr3-78600291-C-A. GRCh37 (hg19) VCF-style: chr3-78649441-C-A.
Other names: c.4463G>T, p.Cys1488Phe (NM_001145845.2); c.4628G>T, p.Cys1543Phe (NM_133631.4); short protein forms C1488F, C1588F, C1543F.
Identifiers: ClinVar variation 3685862 (VCV003685862.2).